The following is an entry in ClinVar:

NM_001367624.2(ZNF469):c.11056G>A (p.Ala3686Thr)

Gene: ZNF469 (zinc finger protein 469; plus strand). Cytogenetic location: 16q24.2.
Variant type: single nucleotide variant.
Coding change: c.11056G>A on transcript NM_001367624.2 (MANE Select); coding-DNA position 11056, G replaced by A.
Protein change: p.Ala3686Thr; replaces alanine 3686 with threonine.
Molecular consequence: missense variant.
Genome position (GRCh38, 1-based): chr16:88,438,526, G>A. VCF-style: chr16-88438526-G-A. GRCh37 (hg19) VCF-style: chr16-88504934-G-A.
Other names: NM_001127464.1:c.10972G>A; short protein forms A3686T.
Identifiers: ClinVar variation 3258237 (VCV003258237.1).

ClinVar aggregate classification (germline): Uncertain significance (1 of 4 stars; one submission).

Conditions:
Cardiovascular phenotype. Identifiers: MedGen CN230736.

Submission:

Ambry Genetics
Classification: Uncertain significance for Cardiovascular phenotype. Last evaluated: 2024-04-13. Review status: criteria provided, single submitter. Criteria: Ambry Variant Classification Scheme 2023. Collection method: clinical testing. Allele origin: germline.
Comment: The p.A3658T variant (also known as c.10972G>A), located in coding exon 2 of the ZNF469 gene, results from a G to A substitution at nucleotide position 10972. The alanine at codon 3658 is replaced by threonine, an amino acid with similar properties. This amino acid position is conserved. In addition, this alteration is predicted to be tolerated by in silico analysis. Based on the available evidence, the clinical significance of this variant remains unclear.